The following is an entry in ClinVar:

NM_006915.3(RP2):c.328T>C (p.Cys110Arg)

Gene: RP2 (RP2 activator of ARL3 GTPase; plus strand). Cytogenetic location: Xp11.3.
Variant type: single nucleotide variant.
Coding change: c.328T>C on transcript NM_006915.3 (MANE Select); coding-DNA position 328, T replaced by C.
Protein change: p.Cys110Arg; replaces cysteine 110 with arginine.
Molecular consequence: missense variant.
Genome position (GRCh38, 1-based): chrX:46,853,701, T>C. VCF-style: chrX-46853701-T-C. GRCh37 (hg19) VCF-style: chrX-46713136-T-C.
Other names: short protein forms C110R.
Identifiers: ClinVar variation 812404 (VCV000812404.10), dbSNP rs1602347741, ClinGen allele CA413039296.
Genomic context (GRCh38, chrX:46,853,701, plus strand): 5'-ATAATTTTTCTGGGACCCGTGAAAGGCAGCGTGTTTTTCCGGAATTGCAGAGATTGCAAG[T>C]GCACATTAGCCTGCCAACAATTTCGTGTGCGAGATTGTAGAAAGCTGGAAGTCTTTTTGT-3'
Protein context (NP_008846.2, residues 100-120): VFFRNCRDCK[Cys110Arg]TLACQQFRVR

ClinVar aggregate classification (germline): Uncertain significance. Review status: criteria provided, single submitter (1 of 4 stars). 2 submissions from 2 submitters: Uncertain significance (1). 1 of the submissions does not count toward it. Last evaluated 2020-02-21.

Conditions:
Retinitis pigmentosa (RP). Identifiers: Orphanet 791, MedGen C0035334, MeSH D012174, MONDO:0019200, OMIM 268000. Inheritance: Autosomal dominant, autosomal recessive and X linked inheritance.

Submissions (2):

Labcorp Genetics (formerly Invitae), Labcorp
Classification: Uncertain significance. Last evaluated: 2020-02-21. Review status: criteria provided, single submitter. Criteria: Invitae Variant Classification Sherloc (09022015). Collection method: clinical testing. Allele origin: germline.
Comment: This sequence change replaces cysteine with arginine at codon 110 of the RP2 protein (p.Cys110Arg). The cysteine residue is highly conserved and there is a large physicochemical difference between cysteine and arginine. This variant is not present in population databases (ExAC no frequency). This variant has not been reported in the literature in individuals with RP2-related conditions. Algorithms developed to predict the effect of missense changes on protein structure and function are either unavailable or do not agree on the potential impact of this missense change (SIFT: "Deleterious"; PolyPhen-2: "Probably Damaging"; Align-GVGD: "Class C0"). In summary, the available evidence is currently insufficient to determine the role of this variant in disease. Therefore, it has been classified as a Variant of Uncertain Significance.

Sharon lab, Hadassah-Hebrew University Medical Center
Classification: Likely pathogenic for Retinitis pigmentosa. Last evaluated: 2019-06-23. Review status: no assertion criteria provided. Collection method: research. Allele origin: inherited. Affected: yes. Not counted in ClinVar's aggregate classification.